The following is an entry in ClinVar:

NM_018486.3(HDAC8):c.738-1G>A

Gene: HDAC8 (histone deacetylase 8; minus strand). Cytogenetic location: Xq13.1.
Variant type: single nucleotide variant.
Coding change: c.738-1G>A on transcript NM_018486.3 (MANE Select); the canonical splice acceptor site of the intron before coding-DNA position 738, G replaced by A.
Molecular consequence: splice acceptor variant.
Genome position (GRCh38, 1-based): chrX:72,464,732, C>T on the plus strand (G>A on the coding strand, the complement: HDAC8 is on the minus strand). VCF-style: chrX-72464732-C-T. GRCh37 (hg19) VCF-style: chrX-71684582-C-T.
Other names: c.465-1G>A (NM_001166418.2, NM_001410728.1); c.660-1G>A (NM_001410727.1); c.738-1G>A (NM_001410725.1, NM_001410729.1).
Identifiers: ClinVar variation 804029 (VCV000804029.6), dbSNP rs1602975601, ClinGen allele CA413643446.

ClinVar aggregate classification (germline): Pathogenic. Review status: criteria provided, multiple submitters, no conflicts (2 of 4 stars). 4 submissions from 4 submitters: Pathogenic (2). 2 of the submissions do not count toward it. Last evaluated 2019-05-28.

Conditions:
Cornelia de Lange syndrome 5 (CDLS5). Also called: HDAC8-Related Cornelia de Lange Syndrome. Identifiers: Orphanet 199, MedGen C3550903, MONDO:0010471, OMIM 300882.

Submissions (4):

Mendelics
Classification: Pathogenic for Cornelia de Lange syndrome 5. Last evaluated: 2019-05-28. Review status: criteria provided, single submitter. Criteria: Mendelics Assertion Criteria 2017. Collection method: clinical testing. Allele origin: unknown.

Centre for Mendelian Genomics, University Medical Centre Ljubljana
Classification: Pathogenic for Cornelia de Lange syndrome 5. Last evaluated: 2018-10-31. Review status: criteria provided, single submitter. Criteria: ACMG Guidelines, 2015. Collection method: clinical testing. Allele origin: unknown. Affected: yes.
Comment: This variant was classified as: Pathogenic. The following ACMG criteria were applied in classifying this variant: PVS1,PM2,PP3.

Clinical Genetics DNA and cytogenetics Diagnostics Lab, Erasmus MC, Erasmus Medical Center
Classification: Likely pathogenic. Review status: no assertion criteria provided. Collection method: clinical testing. Allele origin: germline. Affected: yes. Study: VKGL Data-share Consensus. Not counted in ClinVar's aggregate classification.

Genome Diagnostics Laboratory, University Medical Center Utrecht
Classification: Pathogenic. Review status: no assertion criteria provided. Collection method: clinical testing. Allele origin: germline. Affected: yes. Study: VKGL Data-share Consensus. Not counted in ClinVar's aggregate classification.